The following is an entry in ClinVar:

ClinVar aggregate classification (germline): Pathogenic (1 of 4 stars; one submission).

Submission:

Mayo Clinic Laboratories, Mayo Clinic
Classification: Pathogenic. Last evaluated: 2020-09-04. Review status: criteria provided, single submitter. Criteria: ACMG Guidelines, 2015. Collection method: clinical testing. Allele origin: germline. Observed: 1 variant allele.
Comment: PSV1, PM2, PS4_moderate

Literature cited by the submitters: PubMed 29381227; PubMed 31134694.

NM_000132.4(F8):c.2803C>T (p.Gln935Ter)

Gene: F8 (coagulation factor VIII; minus strand). Cytogenetic location: Xq28.
Variant type: single nucleotide variant.
Coding change: c.2803C>T on transcript NM_000132.4 (MANE Select); coding-DNA position 2803, C replaced by T.
Protein change: p.Gln935Ter; replaces glutamine 935 with a stop codon.
Molecular consequence: nonsense.
Genome position (GRCh38, 1-based): chrX:154,930,987, G>A on the plus strand (C>T on the coding strand, the complement: F8 is on the minus strand). VCF-style: chrX-154930987-G-A. GRCh37 (hg19) VCF-style: chrX-154159262-G-A.
Other names: short protein forms Q935*.
Identifiers: ClinVar variation 1163209 (VCV001163209.5), dbSNP rs372337556, ClinGen allele CA414900513.